The following is an entry in ClinVar:

NM_004958.4(MTOR):c.2470A>G (p.Ile824Val)

Gene: MTOR (mechanistic target of rapamycin kinase; minus strand). Cytogenetic location: 1p36.22.
Variant type: single nucleotide variant.
Coding change: c.2470A>G on transcript NM_004958.4 (MANE Select); coding-DNA position 2470, A replaced by G.
Protein change: p.Ile824Val; replaces isoleucine 824 with valine.
Molecular consequence: missense variant.
Genome position (GRCh38, 1-based): chr1:11,232,480, T>C on the plus strand (A>G on the coding strand, the complement: MTOR is on the minus strand). VCF-style: chr1-11232480-T-C. GRCh37 (hg19) VCF-style: chr1-11292537-T-C.
Other names: c.2470A>G, p.Ile824Val (NM_001386500.1); c.1222A>G, p.Ile408Val (NM_001386501.1); short protein forms I824V, I408V.
Identifiers: ClinVar variation 1467676 (VCV001467676.8), dbSNP rs1647052089, ClinGen allele CA338383428.

ClinVar aggregate classification (germline): Uncertain significance (1 of 4 stars; one submission).

gnomAD v4.1: 1 of 1,614,028 alleles (0.000062%); highest among the groups gnomAD compares: Non-Finnish European, 0.000085%; no homozygotes.

Submission:

Labcorp Genetics (formerly Invitae), Labcorp
Classification: Uncertain significance. Last evaluated: 2022-06-27. Review status: criteria provided, single submitter. Criteria: Invitae Variant Classification Sherloc (09022015). Collection method: clinical testing. Allele origin: germline.
Comment: This sequence change replaces isoleucine, which is neutral and non-polar, with valine, which is neutral and non-polar, at codon 824 of the MTOR protein (p.Ile824Val). This variant is not present in population databases (gnomAD no frequency). This variant has not been reported in the literature in individuals affected with MTOR-related conditions. Advanced modeling of protein sequence and biophysical properties (such as structural, functional, and spatial information, amino acid conservation, physicochemical variation, residue mobility, and thermodynamic stability) performed at Invitae indicates that this missense variant is not expected to disrupt MTOR protein function. In summary, the available evidence is currently insufficient to determine the role of this variant in disease. Therefore, it has been classified as a Variant of Uncertain Significance.